The following is an entry in ClinVar:

NM_004006.3(DMD):c.6163A>G (p.Ile2055Val)

Gene: DMD (dystrophin; minus strand). Cytogenetic location: Xp21.1.
Variant type: single nucleotide variant.
Coding change: c.6163A>G on transcript NM_004006.3 (MANE Select); coding-DNA position 6163, A replaced by G.
Protein change: p.Ile2055Val; replaces isoleucine 2055 with valine.
Molecular consequence: missense variant.
Genome position (GRCh38, 1-based): chrX:32,287,656, T>C on the plus strand (A>G on the coding strand, the complement: DMD is on the minus strand). VCF-style: chrX-32287656-T-C. GRCh37 (hg19) VCF-style: chrX-32305773-T-C.
Other names: c.6139A>G, p.Ile2047Val (NM_000109.4); c.6151A>G, p.Ile2051Val (NM_004009.3); c.5794A>G, p.Ile1932Val (NM_004010.3); c.2140A>G, p.Ile714Val (NM_004011.4); c.2131A>G, p.Ile711Val (NM_004012.4); short protein forms I2047V, I714V, I2051V, I1932V, I711V, I2055V.
Identifiers: ClinVar variation 3634816 (VCV003634816.2).

ClinVar aggregate classification (germline): Uncertain significance (1 of 4 stars; one submission).

Conditions:
Duchenne muscular dystrophy (DMD). Also called: MUSCULAR DYSTROPHY, PSEUDOHYPERTROPHIC PROGRESSIVE, DUCHENNE TYPE; Duchenne Muscular Dystrophy (DMD). Identifiers: Orphanet 98896, MedGen C0013264, MONDO:0010679, OMIM 310200.

Submission:

Labcorp Genetics (formerly Invitae), Labcorp
Classification: Uncertain significance for Duchenne muscular dystrophy. Last evaluated: 2024-06-06. Review status: criteria provided, single submitter. Criteria: Invitae Variant Classification Sherloc (09022015). Collection method: clinical testing. Allele origin: germline.
Comment: This sequence change replaces isoleucine, which is neutral and non-polar, with valine, which is neutral and non-polar, at codon 2055 of the DMD protein (p.Ile2055Val). This variant is not present in population databases (gnomAD no frequency). This variant has not been reported in the literature in individuals affected with DMD-related conditions. Advanced modeling of protein sequence and biophysical properties (such as structural, functional, and spatial information, amino acid conservation, physicochemical variation, residue mobility, and thermodynamic stability) performed at Invitae indicates that this missense variant is not expected to disrupt DMD protein function with a negative predictive value of 95%. In summary, the available evidence is currently insufficient to determine the role of this variant in disease. Therefore, it has been classified as a Variant of Uncertain Significance.